The following is an entry in ClinVar:

NM_000135.4(FANCA):c.3552G>A (p.Arg1184=)

Gene: FANCA (FA complementation group A; minus strand). Cytogenetic location: 16q24.3.
Variant type: single nucleotide variant.
Coding change: c.3552G>A on transcript NM_000135.4 (MANE Select); coding-DNA position 3552, G replaced by A.
Protein change: p.Arg1184=; no amino-acid change (arginine 1184 retained).
Molecular consequence: synonymous variant.
Genome position (GRCh38, 1-based): chr16:89,745,033, C>T on the plus strand (G>A on the coding strand, the complement: FANCA is on the minus strand). VCF-style: chr16-89745033-C-T. GRCh37 (hg19) VCF-style: chr16-89811441-C-T.
Other names: c.3552G>A, p.Arg1184= (NM_001286167.3); c.3552G>A (NM_000135.3).
Identifiers: ClinVar variation 699218 (VCV000699218.13), dbSNP rs774029286, ClinGen allele CA8251097.

ClinVar aggregate classification (germline): Likely benign. Review status: criteria provided, multiple submitters, no conflicts (2 of 4 stars). 4 submissions from 4 submitters: Likely benign (4). Last evaluated 2026-09-01.

Conditions:
Inborn genetic diseases. Identifiers: MedGen C0950123, MeSH D030342.
Fanconi anemia (FA). Also called: Fanconi's anemia. Identifiers: Orphanet 84, MedGen C0015625, MeSH D005199, MONDO:0019391.

Allele frequency attached by ClinVar (database versions not stated): gnomAD exomes 0.00002 and 0.00004; ExAC 0.00003; gnomAD 0.00004; TOPMed 0.00005.
gnomAD v4.1: 35 of 1,610,034 alleles (0.0022%); highest among the groups gnomAD compares: Middle Eastern, 0.016%; no homozygotes.

Submissions (4):

CeGaT Center for Human Genetics Tuebingen
Classification: Likely benign. Last evaluated: 2026-09-01. Review status: criteria provided, single submitter. Criteria: CeGaT Center For Human Genetics Tuebingen Variant Classification Criteria Version 2. Collection method: clinical testing. Allele origin: germline. Affected: yes. Observed: 1 variant allele.
Comment: FANCA: BP4, BP7

Quest Diagnostics Nichols Institute San Juan Capistrano
Classification: Likely benign. Last evaluated: 2025-08-21. Review status: criteria provided, single submitter. Criteria: Quest Diagnostics criteria. Collection method: clinical testing. Allele origin: unknown.

Labcorp Genetics (formerly Invitae), Labcorp
Classification: Likely benign for Fanconi anemia. Last evaluated: 2025-05-25. Review status: criteria provided, single submitter. Criteria: Invitae Variant Classification Sherloc (09022015). Collection method: clinical testing. Allele origin: germline.

Ambry Genetics
Classification: Likely benign for Inborn genetic diseases. Last evaluated: 2024-10-05. Review status: criteria provided, single submitter. Criteria: Ambry Variant Classification Scheme 2023. Collection method: clinical testing. Allele origin: germline.